The following is an entry in ClinVar:

ClinVar aggregate classification (germline): Likely benign (0 of 4 stars; one submission).

Conditions:
ZFP57-related disorder. Also called: ZFP57-related condition.

gnomAD v4.1: 3 of 1,613,144 alleles (0.00019%); highest among the groups gnomAD compares: Non-Finnish European, 0.00025%; no homozygotes.

Submission:

PreventionGenetics, part of Exact Sciences
Classification: Likely benign for ZFP57-related condition. Last evaluated: 2024-03-14. Review status: no assertion criteria provided. Collection method: clinical testing. Allele origin: germline.
Comment: This variant is classified as likely benign based on ACMG/AMP sequence variant interpretation guidelines (Richards et al. 2015 PMID: 25741868, with internal and published modifications).

NM_001109809.5(ZFP57):c.630G>A (p.Lys210=)

Gene: ZFP57 (ZFP57 zinc finger protein; minus strand). Cytogenetic location: 6p22.1.
Variant type: single nucleotide variant.
Coding change: c.630G>A on transcript NM_001109809.5 (MANE Select); coding-DNA position 630, G replaced by A.
Protein change: p.Lys210=; no amino-acid change (lysine 210 retained).
Molecular consequence: synonymous variant.
Genome position (GRCh38, 1-based): chr6:29,673,481, C>T on the plus strand (G>A on the coding strand, the complement: ZFP57 is on the minus strand). VCF-style: chr6-29673481-C-T. GRCh37 (hg19) VCF-style: chr6-29641258-C-T.
Other names: c.414G>A, p.Lys138= (NM_001366333.2).
Identifiers: ClinVar variation 3348146 (VCV003348146.1).